The following is an entry in ClinVar:

NM_024996.7(GFM1):c.1181G>A (p.Arg394Gln)

Gene: GFM1 (G elongation factor mitochondrial 1; plus strand). Cytogenetic location: 3q25.32.
Variant type: single nucleotide variant.
Coding change: c.1181G>A on transcript NM_024996.7 (MANE Select); coding-DNA position 1181, G replaced by A.
Protein change: p.Arg394Gln; replaces arginine 394 with glutamine.
Molecular consequence: missense variant. On other transcripts: non-coding transcript variant (4), intron variant (1).
Genome position (GRCh38, 1-based): chr3:158,659,019, G>A. VCF-style: chr3-158659019-G-A. GRCh37 (hg19) VCF-style: chr3-158376808-G-A.
Other names: p.R394Q:CGG>CAG; c.1238G>A, p.Arg413Gln (NM_001308164.2); c.1181G>A, p.Arg394Gln (NM_001308166.2); c.1064G>A, p.Arg355Gln (NM_001374356.1); c.956G>A, p.Arg319Gln (NM_001374357.1); c.722G>A, p.Arg241Gln (NM_001374358.1); c.614G>A, p.Arg205Gln (NM_001374359.1, NM_001374360.1); c.497G>A, p.Arg166Gln (NM_001374361.1); and 1 more; short protein forms R394Q, R413Q, R166Q, R205Q, R241Q, R319Q, R355Q.
Identifiers: ClinVar variation 214487 (VCV000214487.2), dbSNP rs754435236, ClinGen allele CA324580.
Genomic context (GRCh38, chr3:158,659,019, plus strand): 5'-ATCAGGGAGAGCTAAAGAAGGGTGACACCATCTATAACACAAGGACAAGAAAGAAAGTAC[G>A]GTTGCAACGGCTGGCTCGCATGCATGCCGACATGATGGAGGCAAGTACAGAGTCATTGTG-3'
Protein context (NP_079272.4, residues 384-404): IYNTRTRKKV[Arg394Gln]LQRLARMHAD

ClinVar aggregate classification (germline): Likely pathogenic (1 of 4 stars; one submission).

Allele frequency attached by ClinVar (database versions not stated): gnomAD exomes 0.00001 and 0.00002; ExAC 0.00002; TOPMed 0.00002.

Submission:

GeneDx
Classification: Likely pathogenic. Last evaluated: 2013-04-10. Review status: criteria provided, single submitter. Criteria: GeneDx Variant Classification (06012015). Collection method: clinical testing. Allele origin: germline. Affected: yes.
Comment: p.Arg394Gln (CGG>CAG): c.1181 G>A in exon 9 of the GFM1 gene (NM_024996.5). The R394Q missense change has not been published as a mutation, nor has it been reported as a benign polymorphism to our knowledge. The amino acid change is non-conservative in that a positively charged Arginine residue is replaced by an uncharged Glutamine residue. This change occurs at a highly conserved position in the GFM1 protein, and multiple in-silico analysis programs predict that R394Q is damaging to the GFM1 protein. Therefore, R394Q is a strong candidate for a disease-causing mutation, however the possibility that it is a benign variant cannot be excluded. The variant is found in MITONUC-MITOP panel(s).